The following is an entry in ClinVar:

ClinVar aggregate classification (germline): Pathogenic/Likely pathogenic. Review status: criteria provided, multiple submitters, no conflicts (2 of 4 stars). 4 submissions from 4 submitters: Pathogenic (3); Likely pathogenic (1). Last evaluated 2025-12-14.

Conditions:
Niemann-Pick disease, type C1. Also called: NIEMANN-PICK DISEASE, VARIANT TYPE C1; NEUROVISCERAL STORAGE DISEASE WITH VERTICAL SUPRANUCLEAR OPHTHALMOPLEGIA; NIEMANN-PICK DISEASE WITH CHOLESTEROL ESTERIFICATION BLOCK; NIEMANN-PICK DISEASE WITHOUT SPHINGOMYELINASE DEFICIENCY; NIEMANN-PICK DISEASE, CHRONIC NEURONOPATHIC FORM. Identifiers: Orphanet 646, MedGen C3179455, MONDO:0009757, OMIM 257220.

Allele frequency attached by ClinVar (database versions not stated): gnomAD exomes below 0.00001.
gnomAD v4.1: 2 of 1,566,988 alleles (0.00013%); highest among the groups gnomAD compares: Middle Eastern, 0.017%; no homozygotes.

Submissions (4):

3billion
Classification: Pathogenic for Niemann-Pick disease, type C1. Last evaluated: 2025-12-14. Review status: criteria provided, single submitter. Criteria: ACMG Guidelines, 2015. Collection method: clinical testing. Allele origin: germline. Affected: yes.
Comment: The variant is observed at an extremely low frequency in the gnomAD v4.1.0 dataset (total allele frequency: <0.001%). Predicted Consequence/Location: Canonical splice site: predicted to alter splicing and result in a loss or disruption of normal protein function. Multiple pathogenic loss-of-function variants are reported downstream of the variant. In silico tools predict the variant to alter splicing and produce an abnormal transcript [SpliceAI: 0.92 (spliceogenicity >=0.2, non-spliceogenicity <0.1)]. The variant has been reported at least twice as pathogenic with clinical assertions and evidence for the classification (ClinVar ID: VCV002736706 /PMID: 22676771). Therefore, this variant is classified as Pathogenic according to the recommendation of ACMG/AMP guideline.

Natera, Inc.
Classification: Pathogenic for Niemann-Pick disease type C1. Last evaluated: 2025-11-04. Review status: criteria provided, single submitter. Criteria: Natera Variant Classification Schema (03/2026). Collection method: clinical testing. Allele origin: germline.
Comment: The c.2245+1G>A variant in NPC1 is a canonical splice donor site variant predicted to affect pre-mRNA splicing, which may result in an abnormal transcript and altered protein product. This variant is expected to result in nonsense mediated decay, truncation, or a dysfunctional protein product. This variant is rare in the general population with a frequency below the threshold expected for the associated phenotype(s). This variant has been observed in one or more individuals affected with the associated recessive disease, as either homozygous or compound heterozygous with a second variant (PMID: 22676771). Given the available evidence, this variant is classified as Pathogenic.

Genomic Medicine Center of Excellence, King Faisal Specialist Hospital and Research Centre
Classification: Likely pathogenic for Niemann-Pick disease, type C1. Last evaluated: 2024-03-29. Review status: criteria provided, single submitter. Criteria: ACMG Guidelines, 2015. Collection method: clinical testing. Allele origin: germline.

Labcorp Genetics (formerly Invitae), Labcorp
Classification: Pathogenic for Niemann-Pick disease, type C1. Last evaluated: 2022-12-24. Review status: criteria provided, single submitter. Criteria: Invitae Variant Classification Sherloc (09022015). Collection method: clinical testing. Allele origin: germline.
Comment: This sequence change affects a donor splice site in intron 14 of the NPC1 gene. It is expected to disrupt RNA splicing. Variants that disrupt the donor or acceptor splice site typically lead to a loss of protein function (PMID: 16199547), and loss-of-function variants in NPC1 are known to be pathogenic (PMID: 9211850). This variant is not present in population databases (gnomAD no frequency). For these reasons, this variant has been classified as Pathogenic. Algorithms developed to predict the effect of sequence changes on RNA splicing suggest that this variant may disrupt the consensus splice site. This variant is also known as IVS14+1G>A. Disruption of this splice site has been observed in individual(s) with Niemann-Pick disease type C (PMID: 22676771, 30633340).

Literature cited by the submitters: PubMed 22676771 (cited by 3 submitters); PubMed 16199547 (cited by Labcorp Genetics (formerly Invitae), Labcorp); PubMed 9211850 (cited by Labcorp Genetics (formerly Invitae), Labcorp); PubMed 30633340 (cited by Labcorp Genetics (formerly Invitae), Labcorp).

NM_000271.5(NPC1):c.2245+1G>A

Gene: NPC1 (NPC intracellular cholesterol transporter 1; minus strand). Cytogenetic location: 18q11.2.
Variant type: single nucleotide variant.
Coding change: c.2245+1G>A on transcript NM_000271.5 (MANE Select); the canonical splice donor site of the intron after coding-DNA position 2245, G replaced by A.
Molecular consequence: splice donor variant.
Genome position (GRCh38, 1-based): chr18:23,543,454, C>T on the plus strand (G>A on the coding strand, the complement: NPC1 is on the minus strand). VCF-style: chr18-23543454-C-T. GRCh37 (hg19) VCF-style: chr18-21123418-C-T.
Other names: c.2245+1G>A (NM_000271.4).
Identifiers: ClinVar variation 2736706 (VCV002736706.6), dbSNP rs2511229476, ClinGen allele CA401770652.